The following is an entry in ClinVar:

ClinVar aggregate classification (germline): Uncertain significance. Review status: criteria provided, multiple submitters, no conflicts (2 of 4 stars). 2 submissions from 2 submitters: Uncertain significance (2). Last evaluated 2026-02-12.

Conditions:
Methylmalonic acidemia with homocystinuria, type cblX (MAHCX). Also called: INTELLECTUAL DEVELOPMENTAL DISORDER, X-LINKED 3. Identifiers: Orphanet 369962, MedGen C0796208, MONDO:0010657, OMIM 309541.

gnomAD v4.1: 2 of 1,201,078 alleles (0.00017%); highest among the groups gnomAD compares: Non-Finnish European, 0.00022%; no homozygotes.

Submissions (2):

GeneDx
Classification: Uncertain significance. Last evaluated: 2026-02-12. Review status: criteria provided, single submitter. Criteria: GeneDx Variant Classification Process June 2021. Collection method: clinical testing. Allele origin: germline. Affected: yes.
Comment: Not observed at significant frequency in large population cohorts (gnomAD); In silico analysis suggests that this missense variant does not alter protein structure/function; Has not been previously published as pathogenic or benign to our knowledge

Labcorp Genetics (formerly Invitae), Labcorp
Classification: Uncertain significance for Methylmalonic acidemia with homocystinuria, type cblX. Last evaluated: 2026-01-27. Review status: criteria provided, single submitter. Criteria: Invitae Variant Classification Sherloc (09022015). Collection method: clinical testing. Allele origin: germline.
Comment: This sequence change replaces serine, which is neutral and polar, with alanine, which is neutral and non-polar, at codon 597 of the HCFC1 protein (p.Ser597Ala). This variant is not present in population databases (gnomAD no frequency). This variant has not been reported in the literature in individuals affected with HCFC1-related conditions. ClinVar contains an entry for this variant (Variation ID: 1202766). An algorithm developed to predict the effect of missense changes on protein structure and function (PolyPhen-2) suggests that this variant is likely to be disruptive. In summary, the available evidence is currently insufficient to determine the role of this variant in disease. Therefore, it has been classified as a Variant of Uncertain Significance.

NM_005334.3(HCFC1):c.1789T>G (p.Ser597Ala)

Gene: HCFC1 (host cell factor C1; minus strand). Cytogenetic location: Xq28.
Variant type: single nucleotide variant.
Coding change: c.1789T>G on transcript NM_005334.3 (MANE Select); coding-DNA position 1789, T replaced by G.
Protein change: p.Ser597Ala; replaces serine 597 with alanine.
Molecular consequence: missense variant.
Genome position (GRCh38, 1-based): chrX:153,958,583, A>C on the plus strand (T>G on the coding strand, the complement: HCFC1 is on the minus strand). VCF-style: chrX-153958583-A-C. GRCh37 (hg19) VCF-style: chrX-153224034-A-C.
Other names: short protein forms S597A.
Identifiers: ClinVar variation 1202766 (VCV001202766.5), dbSNP rs2148584632, ClinGen allele CA415134583.